The following is an entry in ClinVar:

ClinVar aggregate classification (germline): Uncertain significance. Review status: criteria provided, multiple submitters, no conflicts (2 of 4 stars). 2 submissions from 2 submitters: Uncertain significance (2). Last evaluated 2025-01-27.

Conditions:
Inborn genetic diseases. Identifiers: MedGen C0950123, MeSH D030342.

gnomAD v4.1: 52 of 1,568,760 alleles (0.0033%); highest among the groups gnomAD compares: Non-Finnish European, 0.0042%; no homozygotes.

Submissions (2):

Ambry Genetics
Classification: Uncertain significance for Inborn genetic diseases. Last evaluated: 2025-01-27. Review status: criteria provided, single submitter. Criteria: Ambry Variant Classification Scheme 2023. Collection method: clinical testing. Allele origin: germline.

Labcorp Genetics (formerly Invitae), Labcorp
Classification: Uncertain significance. Last evaluated: 2022-07-06. Review status: criteria provided, single submitter. Criteria: Invitae Variant Classification Sherloc (09022015). Collection method: clinical testing. Allele origin: germline.
Comment: This sequence change replaces glycine, which is neutral and non-polar, with glutamic acid, which is acidic and polar, at codon 255 of the TRAF3IP1 protein (p.Gly255Glu). The frequency data for this variant in the population databases is considered unreliable, as metrics indicate poor data quality at this position in the gnomAD database. This variant has not been reported in the literature in individuals affected with TRAF3IP1-related conditions. Algorithms developed to predict the effect of missense changes on protein structure and function are either unavailable or do not agree on the potential impact of this missense change (SIFT: "Tolerated"; PolyPhen-2: "Probably Damaging"; Align-GVGD: "Class C0"). In summary, the available evidence is currently insufficient to determine the role of this variant in disease. Therefore, it has been classified as a Variant of Uncertain Significance.

NM_015650.4(TRAF3IP1):c.764G>A (p.Gly255Glu)

Gene: TRAF3IP1 (TRAF3 interacting protein 1; plus strand). Cytogenetic location: 2q37.3.
Variant type: single nucleotide variant.
Coding change: c.764G>A on transcript NM_015650.4 (MANE Select); coding-DNA position 764, G replaced by A.
Protein change: p.Gly255Glu; replaces glycine 255 with glutamic acid.
Molecular consequence: missense variant.
Genome position (GRCh38, 1-based): chr2:238,329,191, G>A. VCF-style: chr2-238329191-G-A. GRCh37 (hg19) VCF-style: chr2-239237832-G-A.
Other names: c.764G>A, p.Gly255Glu (NM_001139490.1); c.764G>A (NM_015650.3); short protein forms G255E.
Identifiers: ClinVar variation 2414698 (VCV002414698.7), dbSNP rs779874921, ClinGen allele CA67980362.